The following is an entry in ClinVar:

ClinVar aggregate classification (germline): Uncertain significance. Review status: criteria provided, multiple submitters, no conflicts (2 of 4 stars). 2 submissions from 2 submitters: Uncertain significance (2). Last evaluated 2025-07-25.

Conditions:
Global developmental delay - lung cysts - overgrowth - Wilms tumor syndrome. Also called: GLOBAL DEVELOPMENTAL DELAY, LUNG CYSTS, OVERGROWTH, AND WILMS TUMOR; GLOW Syndrome. Identifiers: Orphanet 404476, MedGen C4748924, MONDO:0018445, OMIM 618272.
DICER1-related tumor predisposition. Also called: DICER1 syndrome; DICER1-related pleuropulmonary blastoma cancer predisposition syndrome. Identifiers: Orphanet 284343, MedGen C3839822, MONDO:0100216.

gnomAD v4.1: 1 of 1,613,970 alleles (0.000062%); no homozygotes.

Submissions (2):

Labcorp Genetics (formerly Invitae), Labcorp
Classification: Uncertain significance for DICER1-related tumor predisposition. Last evaluated: 2025-07-25. Review status: criteria provided, single submitter. Criteria: Invitae Variant Classification Sherloc (09022015). Collection method: clinical testing. Allele origin: germline.
Comment: This sequence change replaces glycine, which is neutral and non-polar, with alanine, which is neutral and non-polar, at codon 1461 of the DICER1 protein (p.Gly1461Ala). This variant is not present in population databases (gnomAD no frequency). This variant has not been reported in the literature in individuals affected with DICER1-related conditions. ClinVar contains an entry for this variant (Variation ID: 1983636). Invitae Evidence Modeling of protein sequence and biophysical properties (such as structural, functional, and spatial information, amino acid conservation, physicochemical variation, residue mobility, and thermodynamic stability) indicates that this missense variant is not expected to disrupt DICER1 protein function with a negative predictive value of 95%. In summary, the available evidence is currently insufficient to determine the role of this variant in disease. Therefore, it has been classified as a Variant of Uncertain Significance.

Baylor Genetics
Classification: Uncertain significance for Global developmental delay - lung cysts - overgrowth - Wilms tumor syndrome. Last evaluated: 2024-01-10. Review status: criteria provided, single submitter. Criteria: ACMG Guidelines, 2015. Collection method: clinical testing. Allele origin: unknown.

NM_177438.3(DICER1):c.4382G>C (p.Gly1461Ala)

Gene: DICER1 (dicer 1, ribonuclease III; minus strand). Cytogenetic location: 14q32.13.
Variant type: single nucleotide variant.
Coding change: c.4382G>C on transcript NM_177438.3 (MANE Select); coding-DNA position 4382, G replaced by C.
Protein change: p.Gly1461Ala; replaces glycine 1461 with alanine.
Molecular consequence: missense variant. On other transcripts: non-coding transcript variant (6).
Genome position (GRCh38, 1-based): chr14:95,096,538, C>G on the plus strand (G>C on the coding strand, the complement: DICER1 is on the minus strand). VCF-style: chr14-95096538-C-G. GRCh37 (hg19) VCF-style: chr14-95562875-C-G.
Other names: c.4382G>C, p.Gly1461Ala (NM_001195573.1, NM_001271282.3, NM_001291628.2 and 13 more transcripts); c.4100G>C, p.Gly1367Ala (NM_001395686.1); c.3977G>C, p.Gly1326Ala (NM_001395687.1, NM_001395688.1, NM_001395689.1 and 2 more transcripts); c.3815G>C, p.Gly1272Ala (NM_001395691.1); c.2699G>C, p.Gly900Ala (NM_001395697.1); short protein forms G1272A, G1326A, G1461A, G900A, G1367A.
Identifiers: ClinVar variation 1983636 (VCV001983636.5), dbSNP rs2139851817, ClinGen allele CA390868919.